The following is an entry in ClinVar:

NM_173660.5(DOK7):c.473G>A (p.Arg158Gln)

Gene: DOK7 (docking protein 7; plus strand). Cytogenetic location: 4p16.3.
Variant type: single nucleotide variant.
Coding change: c.473G>A on transcript NM_173660.5 (MANE Select); coding-DNA position 473, G replaced by A.
Protein change: p.Arg158Gln; replaces arginine 158 with glutamine.
Molecular consequence: missense variant. On other transcripts: intron variant (1).
Genome position (GRCh38, 1-based): chr4:3,476,483, G>A. VCF-style: chr4-3476483-G-A. GRCh37 (hg19) VCF-style: chr4-3478210-G-A.
Other names: c.473G>A, p.Arg158Gln (NM_001164673.2, NM_001301071.2); c.101-9056G>A (NM_001363811.2); short protein forms R158Q.
Identifiers: ClinVar variation 1952562 (VCV001952562.7), dbSNP rs754633490, ClinGen allele CA2829007.

ClinVar aggregate classification (germline): Pathogenic/Likely pathogenic. Review status: criteria provided, multiple submitters, no conflicts (2 of 4 stars). 3 submissions from 3 submitters: Pathogenic (2); Likely pathogenic (1). Last evaluated 2026-06-11.

Conditions:
Fetal akinesia deformation sequence 1 (FADS1). Also called: Pena-Shokeir syndrome type I; Fetal akinesia sequence. Identifiers: Orphanet 994, MedGen C1276035, MONDO:0100101, OMIM 208150, HP:0001989.
Congenital myasthenic syndrome 10. Also called: Myasthenia, limb-girdle, familial. Identifiers: Orphanet 590, MedGen C1850792, MONDO:0009690, OMIM 254300.

Allele frequency attached by ClinVar (database versions not stated): gnomAD exomes below 0.00001; ExAC 0.00002.
gnomAD v4.1: 6 of 1,613,846 alleles (0.00037%); highest among the groups gnomAD compares: South Asian, 0.0011%; no homozygotes.

Submissions (3):

Kasturba Medical College, Manipal, Kasturba Medical College, Manipal, Manipal Academy of Higher Education, Manipal, India
Classification: Likely pathogenic for Congenital myasthenic syndrome 10. Last evaluated: 2026-06-11. Review status: criteria provided, single submitter. Criteria: ACMG Guidelines, 2015. Collection method: research. Allele origin: unknown. Inheritance: Autosomal recessive inheritance. Affected: yes. Observed: 1 variant allele, 1 compound heterozygote.
Comment: The known missense variant, c.473G>A in exon 4 (Bevilacqua et al., 2017; ClinVar ID: VCV001952562.6), is absent in heterozygous and/ or homozygous state from the population database, gnomAD (v4.1.0) and our in-house database of 4225 exomes. In silico prediction tools, REVEL and CADD_Phred, are consistent in predicting the variant to be damaging to the DOK7 protein function.

Labcorp Genetics (formerly Invitae), Labcorp
Classification: Pathogenic for Congenital myasthenic syndrome 10; Fetal akinesia deformation sequence 1. Last evaluated: 2024-06-22. Review status: criteria provided, single submitter. Criteria: Invitae Variant Classification Sherloc (09022015). Collection method: clinical testing. Allele origin: germline.
Comment: This sequence change replaces arginine, which is basic and polar, with glutamine, which is neutral and polar, at codon 158 of the DOK7 protein (p.Arg158Gln). This variant is present in population databases (rs754633490, gnomAD 0.003%). This missense change has been observed in individual(s) with autosomal recessive congenital myasthenic syndrome (PMID: 17452375, 29118959). In at least one individual the data is consistent with being in trans (on the opposite chromosome) from a pathogenic variant. It has also been observed to segregate with disease in related individuals. ClinVar contains an entry for this variant (Variation ID: 1952562). An algorithm developed to predict the effect of missense changes on protein structure and function (PolyPhen-2) suggests that this variant is likely to be disruptive. Experimental studies have shown that this missense change affects DOK7 function (PMID: 18165682). For these reasons, this variant has been classified as Pathogenic.

Revvity Omics, Revvity
Classification: Pathogenic. Last evaluated: 2024-02-29. Review status: criteria provided, single submitter. Criteria: ACMG Guidelines, 2015. Collection method: clinical testing. Allele origin: germline.

Literature cited by the submitters: PubMed 29118959 (cited by Kasturba Medical College, Manipal, Kasturba Medical College, Manipal, Manipal Academy of Higher Education, Manipal, India and Labcorp Genetics (formerly Invitae), Labcorp); PubMed 17452375 (cited by Labcorp Genetics (formerly Invitae), Labcorp); PubMed 18165682 (cited by Labcorp Genetics (formerly Invitae), Labcorp).